The following is an entry in ClinVar:

NM_004608.4(TBX6):c.1090C>T (p.Pro364Ser)

Gene: TBX6 (T-box transcription factor 6; minus strand). Cytogenetic location: 16p11.2.
Variant type: single nucleotide variant.
Coding change: c.1090C>T on transcript NM_004608.4 (MANE Select); coding-DNA position 1090, C replaced by T.
Protein change: p.Pro364Ser; replaces proline 364 with serine.
Molecular consequence: missense variant.
Genome position (GRCh38, 1-based): chr16:30,086,519, G>A on the plus strand (C>T on the coding strand, the complement: TBX6 is on the minus strand). VCF-style: chr16-30086519-G-A. GRCh37 (hg19) VCF-style: chr16-30097840-G-A.
Other names: short protein forms P364S.
Identifiers: ClinVar variation 1437348 (VCV001437348.6), dbSNP rs555486285, ClinGen allele CA8001689.

ClinVar aggregate classification (germline): Uncertain significance (1 of 4 stars; one submission).

Allele frequency attached by ClinVar (database versions not stated): gnomAD 0.00004; ExAC 0.00012; 1000 Genomes Project 30x 0.00016; 1000 Genomes Project 0.00020.

Submission:

Labcorp Genetics (formerly Invitae), Labcorp
Classification: Uncertain significance. Last evaluated: 2022-11-22. Review status: criteria provided, single submitter. Criteria: Invitae Variant Classification Sherloc (09022015). Collection method: clinical testing. Allele origin: germline.
Comment: In summary, the available evidence is currently insufficient to determine the role of this variant in disease. Therefore, it has been classified as a Variant of Uncertain Significance. Advanced modeling of protein sequence and biophysical properties (such as structural, functional, and spatial information, amino acid conservation, physicochemical variation, residue mobility, and thermodynamic stability) performed at Invitae indicates that this missense variant is not expected to disrupt TBX6 protein function. ClinVar contains an entry for this variant (Variation ID: 1437348). This variant has not been reported in the literature in individuals affected with TBX6-related conditions. This variant is present in population databases (rs555486285, gnomAD 0.005%). This sequence change replaces proline, which is neutral and non-polar, with serine, which is neutral and polar, at codon 364 of the TBX6 protein (p.Pro364Ser).